The following is an entry in ClinVar:

ClinVar aggregate classification (germline): Benign (1 of 4 stars; one submission).

Conditions:
Cleidocranial dysostosis (CLCD1). Also called: cleidocranial dysplasia 1; Marie-Sainton disease; Cleidocranial Dysplasia Spectrum Disorder. Identifiers: Orphanet 1452, MedGen C0008928, MONDO:0007340, OMIM 119600.

Allele frequency attached by ClinVar (database versions not stated): 1000 Genomes Project 0.04413; 1000 Genomes Project 30x 0.04560; TOPMed 0.07810; gnomAD 0.07842 and 0.08061; gnomAD exomes 0.10514.
gnomAD v4.1: 12,019 of 152,664 alleles (7.9%); highest among the groups gnomAD compares: Non-Finnish European, 12%; 623 homozygotes.

Submission:

Illumina Laboratory Services, Illumina
Classification: Benign for Cleidocranial dysostosis. Last evaluated: 2018-01-13. Review status: criteria provided, single submitter. Criteria: ICSL Variant Classification Criteria 13 December 2019. Collection method: clinical testing. Allele origin: germline.
Comment: This variant was observed in the ICSL laboratory as part of a predisposition screen in an ostensibly healthy population. It had not been previously curated by ICSL or reported in the Human Gene Mutation Database (HGMD: prior to June 1st, 2018), and was therefore a candidate for classification through an automated scoring system. Utilizing variant allele frequency, disease prevalence and penetrance estimates, and inheritance mode, an automated score was calculated to assess if this variant is too frequent to cause the disease. Based on the score and internal cut-off values, a variant classified as benign is not then subjected to further curation. The score for this variant resulted in a classification of benign for this disease.

NM_001024630.4(RUNX2):c.*3592A>G

Gene: RUNX2 (RUNX family transcription factor 2; plus strand). Cytogenetic location: 6p21.1.
Variant type: single nucleotide variant.
Coding change: c.*3592A>G on transcript NM_001024630.4 (MANE Select); 3592 bases downstream of the stop codon, A replaced by G.
Molecular consequence: 3 prime UTR variant.
Genome position (GRCh38, 1-based): chr6:45,550,897, A>G. VCF-style: chr6-45550897-A-G. GRCh37 (hg19) VCF-style: chr6-45518634-A-G.
Other names: c.*3592A>G (NM_001015051.4, NM_001278478.2, NM_001369405.1).
Identifiers: ClinVar variation 357145 (VCV000357145.5), dbSNP rs62400377, ClinGen allele CA10627118.
Genomic context (GRCh38, chr6:45,550,897, plus strand): 5'-CAAGCTTTCATTTTTATTTTTTCCAATTGCTATTGCCCAAGAATTGCTTTCCATGCACAT[A>G]TTGTAAAAATTCCGCTTTGTGCCACAGGTCATGATTGTGGATGAGTTTACTCTTAACTTC-3'